The following is an entry in ClinVar:

NM_005640.3(TAF4B):c.1379C>T (p.Thr460Ile)

Gene: TAF4B (TATA-box binding protein associated factor 4b; plus strand). Cytogenetic location: 18q11.2.
Variant type: single nucleotide variant.
Coding change: c.1379C>T on transcript NM_005640.3 (MANE Select); coding-DNA position 1379, C replaced by T.
Protein change: p.Thr460Ile; replaces threonine 460 with isoleucine.
Molecular consequence: missense variant. On other transcripts: non-coding transcript variant (1).
Genome position (GRCh38, 1-based): chr18:26,286,288, C>T. VCF-style: chr18-26286288-C-T. GRCh37 (hg19) VCF-style: chr18-23866252-C-T.
Other names: c.1379C>T, p.Thr460Ile (NM_001293725.2); short protein forms T460I.
Identifiers: ClinVar variation 2648625 (VCV002648625.24), dbSNP rs150687744, ClinGen allele CA8921813.
Genomic context (GRCh38, chr18:26,286,288, plus strand): 5'-CTGTGGCAAACACAGTGACCACGGTCTCACTGCAACCTGAAAAGCCAGTTGTCTCTGGAA[C>T]AGCAGTAACACTGTCCCTTCCAGCAGTAACTTTTGGAGAAACTTCAGGTGCAGCTATTTG-3'
Protein context (NP_005631.1, residues 450-470): LQPEKPVVSG[Thr460Ile]AVTLSLPAVT

ClinVar aggregate classification (germline): Likely benign (1 of 4 stars; one submission).

Allele frequency attached by ClinVar (database versions not stated): 1000 Genomes Project 30x 0.00062; ESP Exome Variant Server 0.00066; ExAC 0.00081; gnomAD 0.00086; 1000 Genomes Project 0.00040; TOPMed 0.00100.
gnomAD v4.1: 1,533 of 1,614,264 alleles (0.095%); highest among the groups gnomAD compares: Admixed American, 0.24%; 3 homozygotes.

Submission:

CeGaT Center for Human Genetics Tuebingen
Classification: Likely benign. Last evaluated: 2023-01-01. Review status: criteria provided, single submitter. Criteria: CeGaT Center For Human Genetics Tuebingen Variant Classification Criteria Version 2. Collection method: clinical testing. Allele origin: germline. Affected: yes. Observed: 1 variant allele.
Comment: TAF4B: BP4